The following is an entry in ClinVar:

NM_003000.2(SDHB):c.201-?_765+?dup

Gene: SDHB (succinate dehydrogenase complex iron sulfur subunit B; minus strand).
Variant type: Duplication.
Coding change: c.201-?_765+?dup on transcript NM_003000.2.
Other names: c.201-?_765+?dup (LRG_316t1).
Identifiers: ClinVar variation 254063 (VCV000254063.1).

ClinVar aggregate classification (germline): Likely pathogenic (1 of 4 stars; one submission).

Conditions:
Gastrointestinal stromal tumor. Also called: Gastrointestinal stromal tumor, somatic; Gastrointestinal stroma tumor. Identifiers: Orphanet 44890, MedGen C0238198, MeSH D046152, MONDO:0011719, OMIM 606764, HP:0100723.
Pheochromocytoma. Also called: MAX-Related Hereditary Paraganglioma-Pheochromocytoma Syndrome. Identifiers: Orphanet 29072, MedGen C0031511, MONDO:0008233, OMIM 171300, HP:0002666.
Pheochromocytoma/paraganglioma syndrome 4. Also called: PARAGANGLIOMA, FAMILIAL MALIGNANT; PARAGANGLIOMAS, HEREDITARY EXTRAADRENAL; PHEOCHROMOCYTOMA, FAMILIAL EXTRAADRENAL; Paragangliomas 4; SDHB-Related Hereditary Paraganglioma-Pheochromocytoma Syndrome (Paragangliomas 4); SDHB-Related Hereditary Paraganglioma-Pheochromocytoma Syndrome. Identifiers: Orphanet 29072, MedGen C1861848, MONDO:0007273, OMIM 115310.

Submission:

Labcorp Genetics (formerly Invitae), Labcorp
Classification: Likely pathogenic for Gastrointestinal stromal tumor; Pheochromocytoma/paraganglioma syndrome 4; Pheochromocytoma. Last evaluated: 2016-01-30. Review status: criteria provided, single submitter. Criteria: Invitae Variant Classification Sherloc (09022015). Collection method: clinical testing. Allele origin: germline.
Comment: This sequence change is a gross duplication of the genomic region encompassing a portion of exon 2 to exon 7 of the SDHB gene. The 5' breakpoint of this duplication is within exon 2 at c.127; the 3' boundary is likely confined to the intronic region between exons 7 and 8. The duplicated copy of this region is in tandem and may result in an absent or disrupted protein product. While this duplication has not been reported in the literature, other gross duplications in SDHB are known to be pathogenic (PMID: 19351833). Although this tandem duplication is expected to disrupt the protein, it has not been confirmed by published functional studies. For these reasons, this variant has been classified as Likely Pathogenic.